The following is an entry in ClinVar:

NM_001199138.2(NLRC4):c.2669G>A (p.Cys890Tyr)

Gene: NLRC4 (NLR family CARD domain containing 4; minus strand). Cytogenetic location: 2p22.3.
Variant type: single nucleotide variant.
Coding change: c.2669G>A on transcript NM_001199138.2 (MANE Select); coding-DNA position 2669, G replaced by A.
Protein change: p.Cys890Tyr; replaces cysteine 890 with tyrosine.
Molecular consequence: missense variant.
Genome position (GRCh38, 1-based): chr2:32,235,514, C>T on the plus strand (G>A on the coding strand, the complement: NLRC4 is on the minus strand). VCF-style: chr2-32235514-C-T. GRCh37 (hg19) VCF-style: chr2-32460583-C-T.
Other names: c.2669G>A, p.Cys890Tyr (NM_001199139.2, NM_021209.5); c.674G>A, p.Cys225Tyr (NM_001302504.2); short protein forms C890Y, C225Y.
Identifiers: ClinVar variation 2946670 (VCV002946670.3), dbSNP rs2466719848, ClinGen allele CA346520801.

ClinVar aggregate classification (germline): Uncertain significance (1 of 4 stars; one submission).

Conditions:
Periodic fever-infantile enterocolitis-autoinflammatory syndrome. Also called: Autoinflammation with infantile enterocolitis. Identifiers: Orphanet 436166, MedGen C4015067, MONDO:0014472, OMIM 616050.
Familial cold autoinflammatory syndrome 4 (FCAS4). Identifiers: Orphanet 47045, Orphanet 576349, MedGen C4015276, MONDO:0014498, OMIM 616115.

Submission:

Labcorp Genetics (formerly Invitae), Labcorp
Classification: Uncertain significance for Periodic fever-infantile enterocolitis-autoinflammatory syndrome; Familial cold autoinflammatory syndrome 4. Last evaluated: 2023-04-22. Review status: criteria provided, single submitter. Criteria: Invitae Variant Classification Sherloc (09022015). Collection method: clinical testing. Allele origin: germline.
Comment: This variant has not been reported in the literature in individuals affected with NLRC4-related conditions. Advanced modeling of protein sequence and biophysical properties (such as structural, functional, and spatial information, amino acid conservation, physicochemical variation, residue mobility, and thermodynamic stability) performed at Invitae indicates that this missense variant is not expected to disrupt NLRC4 protein function. In summary, the available evidence is currently insufficient to determine the role of this variant in disease. Therefore, it has been classified as a Variant of Uncertain Significance. This sequence change replaces cysteine, which is neutral and slightly polar, with tyrosine, which is neutral and polar, at codon 890 of the NLRC4 protein (p.Cys890Tyr). This variant is not present in population databases (gnomAD no frequency).